The following is an entry in ClinVar:

NM_002470.4(MYH3):c.4033C>T (p.Arg1345Trp)

Gene: MYH3 (myosin heavy chain 3; minus strand). Cytogenetic location: 17p13.1.
Variant type: single nucleotide variant.
Coding change: c.4033C>T on transcript NM_002470.4 (MANE Select); coding-DNA position 4033, C replaced by T.
Protein change: p.Arg1345Trp; replaces arginine 1345 with tryptophan.
Molecular consequence: missense variant.
Genome position (GRCh38, 1-based): chr17:10,635,506, G>A on the plus strand (C>T on the coding strand, the complement: MYH3 is on the minus strand). VCF-style: chr17-10635506-G-A. GRCh37 (hg19) VCF-style: chr17-10538823-G-A.
Other names: c.4033C>T (NM_002470.3); short protein forms R1345W.
Identifiers: ClinVar variation 2975390 (VCV002975390.4), dbSNP rs199851477, ClinGen allele CA8392319.

ClinVar aggregate classification (germline): Uncertain significance. Review status: criteria provided, multiple submitters, no conflicts (2 of 4 stars). 2 submissions from 2 submitters: Uncertain significance (2). Last evaluated 2025-10-12.

Conditions:
Inborn genetic diseases. Identifiers: MedGen C0950123, MeSH D030342.

gnomAD v4.1: 16 of 1,614,074 alleles (0.00099%); highest among the groups gnomAD compares: Admixed American, 0.005%; no homozygotes.

Submissions (2):

Labcorp Genetics (formerly Invitae), Labcorp
Classification: Uncertain significance. Last evaluated: 2025-10-12. Review status: criteria provided, single submitter. Criteria: Invitae Variant Classification Sherloc (09022015). Collection method: clinical testing. Allele origin: germline.
Comment: This sequence change replaces arginine, which is basic and polar, with tryptophan, which is neutral and slightly polar, at codon 1345 of the MYH3 protein (p.Arg1345Trp). This variant is present in population databases (rs199851477, gnomAD 0.01%). This variant has not been reported in the literature in individuals affected with MYH3-related conditions. ClinVar contains an entry for this variant (Variation ID: 2975390). Invitae Evidence Modeling of protein sequence and biophysical properties (such as structural, functional, and spatial information, amino acid conservation, physicochemical variation, residue mobility, and thermodynamic stability) indicates that this missense variant is not expected to disrupt MYH3 protein function with a negative predictive value of 95%. In summary, the available evidence is currently insufficient to determine the role of this variant in disease. Therefore, it has been classified as a Variant of Uncertain Significance.

Ambry Genetics
Classification: Uncertain significance for Inborn genetic diseases. Last evaluated: 2024-11-15. Review status: criteria provided, single submitter. Criteria: Ambry Variant Classification Scheme 2023. Collection method: clinical testing. Allele origin: germline.